The following is an entry in ClinVar:

NM_004977.3(KCNC3):c.1320G>A (p.Thr440=)

Gene: KCNC3 (potassium voltage-gated channel subfamily C member 3; minus strand). Cytogenetic location: 19q13.33.
Variant type: single nucleotide variant.
Coding change: c.1320G>A on transcript NM_004977.3 (MANE Select); coding-DNA position 1320, G replaced by A.
Protein change: p.Thr440=; no amino-acid change (threonine 440 retained).
Molecular consequence: synonymous variant.
Genome position (GRCh38, 1-based): chr19:50,323,633, C>T on the plus strand (G>A on the coding strand, the complement: KCNC3 is on the minus strand). VCF-style: chr19-50323633-C-T. GRCh37 (hg19) VCF-style: chr19-50826890-C-T.
Other names: c.1092G>A, p.Thr364= (NM_001372305.1).
Identifiers: ClinVar variation 4821574 (VCV004821574.4).

ClinVar aggregate classification (germline): Likely benign (1 of 4 stars; one submission).

Submission:

CeGaT Center for Human Genetics Tuebingen
Classification: Likely benign. Last evaluated: 2026-02-01. Review status: criteria provided, single submitter. Criteria: CeGaT Center For Human Genetics Tuebingen Variant Classification Criteria Version 2. Collection method: clinical testing. Allele origin: germline. Affected: yes. Observed: 1 variant allele.
Comment: KCNC3: BP4, BP7